The following is an entry in ClinVar:

NM_006329.4(FBLN5):c.380-3C>T

Gene: FBLN5 (fibulin 5; minus strand). Cytogenetic location: 14q32.12.
Variant type: single nucleotide variant.
Coding change: c.380-3C>T on transcript NM_006329.4 (MANE Select); 3 bases into the intron before coding-DNA position 380, C replaced by T.
Molecular consequence: intron variant.
Genome position (GRCh38, 1-based): chr14:91,895,075, G>A on the plus strand (C>T on the coding strand, the complement: FBLN5 is on the minus strand). VCF-style: chr14-91895075-G-A. GRCh37 (hg19) VCF-style: chr14-92361419-G-A.
Other names: c.380-3C>T (NM_001384160.1); c.503-3C>T (NM_001384158.1); c.212-3C>T (NM_001384162.1, NM_001384161.1); c.431-3C>T (NM_001384159.1).
Identifiers: ClinVar variation 3656030 (VCV003656030.2).

ClinVar aggregate classification (germline): Uncertain significance (1 of 4 stars; one submission).

gnomAD v4.1: 1 of 1,614,070 alleles (0.000062%); highest among the groups gnomAD compares: South Asian, 0.0011%; no homozygotes.

Submission:

Labcorp Genetics (formerly Invitae), Labcorp
Classification: Uncertain significance. Last evaluated: 2024-09-14. Review status: criteria provided, single submitter. Criteria: Invitae Variant Classification Sherloc (09022015). Collection method: clinical testing. Allele origin: germline.
Comment: This sequence change falls in intron 4 of the FBLN5 gene. It does not directly change the encoded amino acid sequence of the FBLN5 protein. It affects a nucleotide within the consensus splice site. This variant is present in population databases (no rsID available, gnomAD 0.003%). This variant has not been reported in the literature in individuals affected with FBLN5-related conditions. Variants that disrupt the consensus splice site are a relatively common cause of aberrant splicing (PMID: 17576681, 9536098). Algorithms developed to predict the effect of sequence changes on RNA splicing suggest that this variant is not likely to affect RNA splicing. In summary, the available evidence is currently insufficient to determine the role of this variant in disease. Therefore, it has been classified as a Variant of Uncertain Significance.

Literature cited by the submitters: PubMed 17576681; PubMed 9536098.